The following is an entry in ClinVar:

ClinVar aggregate classification (germline): Pathogenic (1 of 4 stars; one submission).

Conditions:
Tuberous sclerosis 1 (TSC1). Identifiers: Orphanet 805, MedGen C1854465, MONDO:0008612, OMIM 191100.

Submission:

Labcorp Genetics (formerly Invitae), Labcorp
Classification: Pathogenic for Tuberous sclerosis 1. Last evaluated: 2022-04-09. Review status: criteria provided, single submitter. Criteria: Invitae Variant Classification Sherloc (09022015). Collection method: clinical testing. Allele origin: germline.
Comment: For these reasons, this variant has been classified as Pathogenic. This variant has not been reported in the literature in individuals affected with TSC1-related conditions. This variant is not present in population databases (gnomAD no frequency). This sequence change creates a premature translational stop signal (p.Glu31Glyfs*12) in the TSC1 gene. It is expected to result in an absent or disrupted protein product. Loss-of-function variants in TSC1 are known to be pathogenic (PMID: 10227394, 17304050).

Literature cited by the submitters: PubMed 10227394; PubMed 17304050.

NM_000368.5(TSC1):c.92del (p.Glu31fs)

Gene: TSC1 (TSC complex subunit 1; minus strand). Cytogenetic location: 9q34.13.
Variant type: Deletion.
Coding change: c.92del on transcript NM_000368.5 (MANE Select); coding-DNA position 92, one base deleted (A; older notation c.92delA).
Protein change: p.Glu31fs; shifts the reading frame from glutamic acid 31.
Molecular consequence: frameshift variant. On other transcripts: 5 prime UTR variant (1).
Genome position (GRCh38, 1-based): chr9:132,928,781, T deleted on the plus strand (A on the coding strand, the reverse complement: TSC1 is on the minus strand). VCF-style (leftmost placement, unchanged base first): chr9-132928780-CT-C. GRCh37 (hg19) VCF-style: chr9-135804167-CT-C.
Other names: c.92del, p.Glu31fs (NM_001162426.2, NM_001162427.2); c.-168del (NM_001362177.2); c.92delA, p.Glu31Glyfs (NM_001406592.1, NM_001406593.1, NM_001406594.1 and 19 more transcripts); c.-260delA (NM_001406614.1); c.-397delA (NM_001406615.1, NM_001406623.1); c.-364delA (NM_001406616.1, NM_001406624.1); c.-168delA (NM_001406617.1, NM_001406619.1, NM_001406621.1 and 2 more transcripts); c.-786delA (NM_001406626.1, NM_001406627.1, NM_001406628.1); and 2 more; short protein forms E31fs.
Identifiers: ClinVar variation 2123936 (VCV002123936.4), dbSNP rs2539142669, ClinGen allele CA2580079904.